The following is an entry in ClinVar:

ClinVar aggregate classification (germline): Uncertain significance. Review status: criteria provided, multiple submitters, no conflicts (2 of 4 stars). 2 submissions from 2 submitters: Uncertain significance (2). Last evaluated 2025-11-25.

Conditions:
Inborn genetic diseases. Identifiers: MedGen C0950123, MeSH D030342.

Allele frequency attached by ClinVar (database versions not stated): TOPMed below 0.00001; gnomAD 0.00001; gnomAD exomes 0.00001; ExAC 0.00002.
gnomAD v4.1: 18 of 1,613,804 alleles (0.0011%); highest among the groups gnomAD compares: Admixed American, 0.0083%; no homozygotes.

Submissions (2):

Labcorp Genetics (formerly Invitae), Labcorp
Classification: Uncertain significance. Last evaluated: 2025-11-25. Review status: criteria provided, single submitter. Criteria: Invitae Variant Classification Sherloc (09022015). Collection method: clinical testing. Allele origin: germline.
Comment: This sequence change replaces leucine, which is neutral and non-polar, with phenylalanine, which is neutral and non-polar, at codon 954 of the ADCY5 protein (p.Leu954Phe). This variant is present in population databases (rs755726466, gnomAD 0.01%). This variant has not been reported in the literature in individuals affected with ADCY5-related conditions. ClinVar contains an entry for this variant (Variation ID: 2205799). Invitae Evidence Modeling of protein sequence and biophysical properties (such as structural, functional, and spatial information, amino acid conservation, physicochemical variation, residue mobility, and thermodynamic stability) has been performed for this missense variant. However, the output from this modeling did not meet the statistical confidence thresholds required to predict the impact of this variant on ADCY5 protein function. In summary, the available evidence is currently insufficient to determine the role of this variant in disease. Therefore, it has been classified as a Variant of Uncertain Significance.

Ambry Genetics
Classification: Uncertain significance for Inborn genetic diseases. Last evaluated: 2021-12-08. Review status: criteria provided, single submitter. Criteria: Ambry Variant Classification Scheme 2023. Collection method: clinical testing. Allele origin: germline.

NM_183357.3(ADCY5):c.2860C>T (p.Leu954Phe)

Gene: ADCY5 (adenylate cyclase 5; minus strand). Cytogenetic location: 3q21.1.
Variant type: single nucleotide variant.
Coding change: c.2860C>T on transcript NM_183357.3 (MANE Select); coding-DNA position 2860, C replaced by T.
Protein change: p.Leu954Phe; replaces leucine 954 with phenylalanine.
Molecular consequence: missense variant.
Genome position (GRCh38, 1-based): chr3:123,300,160, G>A on the plus strand (C>T on the coding strand, the complement: ADCY5 is on the minus strand). VCF-style: chr3-123300160-G-A. GRCh37 (hg19) VCF-style: chr3-123019007-G-A.
Other names: c.1810C>T, p.Leu604Phe (NM_001199642.1); c.2860C>T, p.Leu954Phe (NM_001378259.1); short protein forms L604F, L954F.
Identifiers: ClinVar variation 2205799 (VCV002205799.3), dbSNP rs755726466, ClinGen allele CA2576972.